The following is an entry in ClinVar:

ClinVar aggregate classification (germline): Uncertain significance. Review status: criteria provided, multiple submitters, no conflicts (2 of 4 stars). 4 submissions from 4 submitters: Uncertain significance (3). 1 of the submissions does not count toward it. Last evaluated 2026-03-05.

Conditions:
MIRAGE syndrome. Also called: MYELODYSPLASIA, INFECTION, RESTRICTION OF GROWTH, ADRENAL HYPOPLASIA, GENITAL PHENOTYPES, AND ENTEROPATHY. Identifiers: Orphanet 494433, MedGen C4284088, MONDO:0014888, OMIM 617053.
Normophosphatemic familial tumoral calcinosis. Also called: CALCINOSIS, TUMORAL, WITH NORMOPHOSPHATEMIA. Identifiers: Orphanet 306658, Orphanet 53715, MedGen C1864861, MONDO:0012502, OMIM 610455.

Allele frequency attached by ClinVar (database versions not stated): gnomAD exomes 0.00001; TOPMed 0.00001; gnomAD 0.00003 and 0.00004.

Submissions (4):

Mendelics
Classification: Uncertain significance for MIRAGE syndrome. Last evaluated: 2026-03-05. Review status: criteria provided, single submitter. Criteria: ACMG Guidelines, 2015. Collection method: clinical testing. Allele origin: unknown.
Comment: The available evidence is insufficient to conclusively determine the role of this variant. Therefore, it is classified as a Variant of Uncertain Significance.

Labcorp Genetics (formerly Invitae), Labcorp
Classification: Uncertain significance. Last evaluated: 2025-08-10. Review status: criteria provided, single submitter. Criteria: Invitae Variant Classification Sherloc (09022015). Collection method: clinical testing. Allele origin: germline.
Comment: This sequence change affects the initiator codon of the SAMD9 mRNA. This change may impact translation initiation or efficiency. The next in-frame methionine is located at codon 57. This variant is present in population databases (rs201122403, gnomAD 0.01%). This variant has not been reported in the literature in individuals affected with SAMD9-related conditions. ClinVar contains an entry for this variant (Variation ID: 553658). In summary, the available evidence is currently insufficient to determine the role of this variant in disease. Therefore, it has been classified as a Variant of Uncertain Significance.

GeneDx
Classification: Uncertain significance. Last evaluated: 2024-07-31. Review status: criteria provided, single submitter. Criteria: GeneDx Variant Classification Process June 2021. Collection method: clinical testing. Allele origin: germline. Affected: yes.
Comment: Initiation codon variant in a gene for which loss-of-function is not an established mechanism of disease; Has not been previously published as pathogenic or benign to our knowledge; Not observed at significant frequency in large population cohorts (gnomAD)

Counsyl
Classification: Likely pathogenic for Normophosphatemic familial tumoral calcinosis. Last evaluated: 2017-09-11. Review status: no assertion criteria provided. Collection method: clinical testing. Allele origin: unknown. Not counted in ClinVar's aggregate classification.

NM_017654.4(SAMD9):c.2T>C (p.Met1Thr)

Gene: SAMD9 (sterile alpha motif domain containing 9; minus strand). Cytogenetic location: 7q21.2.
Variant type: single nucleotide variant.
Coding change: c.2T>C on transcript NM_017654.4 (MANE Select); coding-DNA position 2, T replaced by C.
Protein change: p.Met1Thr; changes the start codon (methionine 1).
Molecular consequence: missense variant, initiator codon variant.
Genome position (GRCh38, 1-based): chr7:93,106,096, A>G on the plus strand (T>C on the coding strand, the complement: SAMD9 is on the minus strand). VCF-style: chr7-93106096-A-G. GRCh37 (hg19) VCF-style: chr7-92735409-A-G.
Other names: c.2T>C, p.Met1Thr (NM_001193307.2); short protein forms M1T.
Identifiers: ClinVar variation 553658 (VCV000553658.6), dbSNP rs201122403, ClinGen allele CA161995581.